The following is an entry in ClinVar:

NM_000719.7(CACNA1C):c.6229_6233del (p.Ala2077fs)

Genes: CACNA1C (calcium voltage-gated channel subunit alpha1 C; plus strand), CACNA1C-AS1 (CACNA1C antisense RNA 1; minus strand). Cytogenetic location: 12p13.33.
Variant type: Deletion.
Coding change: c.6229_6233del on transcript NM_000719.7 (MANE Select); coding-DNA positions 6229 to 6233, 5 bases deleted (GCGGC; older notation c.6229_6233delGCGGC).
Protein change: p.Ala2077fs; shifts the reading frame from alanine 2077.
Molecular consequence: frameshift variant.
Genome position (GRCh38, 1-based): chr12:2,691,011-2,691,015, GCGGC deleted; deleting any 5 consecutive bases within chr12:2,691,009-2,691,015 gives the same sequence; the c. name uses the placement nearest the transcript's 3' end. VCF-style (leftmost placement, unchanged base first): chr12-2691008-AGCGCG-A. GRCh37 (hg19) VCF-style: chr12-2800174-AGCGCG-A.
Other names: c.6229_6233delGCGGC, p.Ala2077Argfs (NM_000719.6); c.6373_6377del, p.Ala2125fs (NM_001129827.2); c.6352_6356del, p.Ala2118fs (NM_001129829.2); c.6334_6338del, p.Ala2112fs (NM_001129830.3, NM_001167624.3); c.6313_6317del, p.Ala2105fs (NM_001129831.2); c.6289_6293del, p.Ala2097fs (NM_001129832.2); c.6286_6290del, p.Ala2096fs (NM_001129833.2, NM_001129834.2, NM_001129835.2); c.6280_6284del, p.Ala2094fs (NM_001129836.2); and 7 more; short protein forms A2066fs, A2074fs, A2077fs, A2083fs, A2085fs, A2094fs, A2096fs, A2097fs.
Identifiers: ClinVar variation 3900915 (VCV003900915.2).

ClinVar aggregate classification (germline): Uncertain significance (1 of 4 stars; one submission).

Submission:

GeneDx
Classification: Uncertain significance. Last evaluated: 2025-08-26. Review status: criteria provided, single submitter. Criteria: GeneDx Variant Classification Process June 2021. Collection method: clinical testing. Allele origin: germline.
Comment: Not observed at significant frequency in large population cohorts (gnomAD); Frameshift variant predicted to result in abnormal protein length as the last 62 amino acid(s) are replaced with 46 different amino acid(s); Has not been previously published as pathogenic or benign to our knowledge